The following is an entry in ClinVar:

NM_006514.4(SCN10A):c.351C>A (p.Asn117Lys)

Gene: SCN10A (sodium voltage-gated channel alpha subunit 10; minus strand). Cytogenetic location: 3p22.2.
Variant type: single nucleotide variant.
Coding change: c.351C>A on transcript NM_006514.4 (MANE Select); coding-DNA position 351, C replaced by A.
Protein change: p.Asn117Lys; replaces asparagine 117 with lysine.
Molecular consequence: missense variant.
Genome position (GRCh38, 1-based): chr3:38,792,088, G>T on the plus strand (C>A on the coding strand, the complement: SCN10A is on the minus strand). VCF-style: chr3-38792088-G-T. GRCh37 (hg19) VCF-style: chr3-38833579-G-T.
Other names: c.351C>A, p.Asn117Lys (NM_001293306.2, NM_001293307.2); short protein forms N117K.
Identifiers: ClinVar variation 2121271 (VCV002121271.4), dbSNP rs2470895267, ClinGen allele CA352160859.

ClinVar aggregate classification (germline): Uncertain significance (1 of 4 stars; one submission).

Conditions:
Brugada syndrome. Also called: Sudden Unexplained Death Syndrome; Sudden Unexplained Nocturnal Death Syndrome (SUNDS); Sudden unexpected nocturnal death syndrome; Sudden unexplained nocturnal death syndrome. Identifiers: Orphanet 130, MedGen C1142166, MONDO:0015263.

Submission:

Labcorp Genetics (formerly Invitae), Labcorp
Classification: Uncertain significance for Brugada syndrome. Last evaluated: 2022-04-07. Review status: criteria provided, single submitter. Criteria: Invitae Variant Classification Sherloc (09022015). Collection method: clinical testing. Allele origin: germline.
Comment: Algorithms developed to predict the effect of missense changes on protein structure and function are either unavailable or do not agree on the potential impact of this missense change (SIFT: "Tolerated"; PolyPhen-2: "Possibly Damaging"; Align-GVGD: "Class C0"). In summary, the available evidence is currently insufficient to determine the role of this variant in disease. Therefore, it has been classified as a Variant of Uncertain Significance. This variant has not been reported in the literature in individuals affected with SCN10A-related conditions. This sequence change replaces asparagine, which is neutral and polar, with lysine, which is basic and polar, at codon 117 of the SCN10A protein (p.Asn117Lys). This variant is not present in population databases (gnomAD no frequency).